The following is an entry in ClinVar:

NM_006922.4(SCN3A):c.5584G>T (p.Gly1862Cys)

Gene: SCN3A (sodium voltage-gated channel alpha subunit 3; minus strand). Cytogenetic location: 2q24.3.
Variant type: single nucleotide variant.
Coding change: c.5584G>T on transcript NM_006922.4 (MANE Select); coding-DNA position 5584, G replaced by T.
Protein change: p.Gly1862Cys; replaces glycine 1862 with cysteine.
Molecular consequence: missense variant.
Genome position (GRCh38, 1-based): chr2:165,090,569, C>A on the plus strand (G>T on the coding strand, the complement: SCN3A is on the minus strand). VCF-style: chr2-165090569-C-A. GRCh37 (hg19) VCF-style: chr2-165947079-C-A.
Other names: NM_006922.4(SCN3A):c.5584G>T; p.Gly1862Cys; c.5437G>T, p.Gly1813Cys (NM_001081676.2, NM_001081677.2); short protein forms G1862C, G1813C.
Identifiers: ClinVar variation 240715 (VCV000240715.16), dbSNP rs41265137, ClinGen allele CA1938381.
Genomic context (GRCh38, chr2:165,090,569, plus strand): 5'-TTGATGCCATAAACCTGTCTTCCATCTGTATTCGAAGGGCATCCATCTCTCCACTCTCAC[C>A]CAAAACACGCTTTGTAAAGGCAAATAAAATATCAAGACAGTGGATCCGGTCACCACTGAC-3'
Protein context (NP_008853.3, residues 1852-1872): ILFAFTKRVL[Gly1862Cys]ESGEMDALRI

ClinVar aggregate classification (germline): Benign. Review status: reviewed by expert panel (3 of 4 stars). 5 submissions from 5 submitters: Benign (1). 4 of the submissions do not count toward it. Last evaluated 2024-05-09.

Conditions:
Developmental and epileptic encephalopathy. Identifiers: MedGen C5779964, MONDO:0100620.

Allele frequency attached by ClinVar (database versions not stated): ESP Exome Variant Server 0.01061; TOPMed 0.01614; 1000 Genomes Project 30x 0.01843; gnomAD exomes 0.01569; gnomAD 0.01346 and 0.01391; 1000 Genomes Project 0.01637.
gnomAD v4.1: 24,902 of 1,613,938 alleles (1.5%); highest among the groups gnomAD compares: Admixed American, 7.3%; 381 homozygotes.

Submissions (5):

ClinGen Epilepsy Sodium Channel Variant Curation Expert Panel, Clingen
Classification: Benign for Developmental and epileptic encephalopathy. Last evaluated: 2024-05-09. Review status: reviewed by expert panel. Criteria: ClinGen EpilepsySCN ACMG Specifications SCN3A V1.0.0. Collection method: curation. Allele origin: germline. Inheritance: Autosomal dominant inheritance.
Comment: The c.5584G>T variant in SCN3A is a missense variant predicted to case the substitution of glycine by cysteine at amino acid 1862 (p.Gly1862Cys). The highest population minor allele frequency in gnomAD v.2 is 8.2% (2915/35374 alleles) in the Latino population, which is higher than the ClinGen Epilepsy Sodium Channel threshold (0.3%) for BA1, and therefore meets this criterion (BA1). The computational predictor REVEL gives a score of 0.808 (PP3_Moderate). Although there are both pathogenic and benign types of evidence for this variant, the high frequency of this variant in gnomAD strongly supports a benign classification, and the only evidence in support of pathogenicity is based on a computational predictor that should not override the high population frequency, which precludes this variant from being pathogenic for a rare disease. In summary, this variant meets the criteria to be classified as Benign for autosomal dominant developmental and epileptic encephalopathy based on ACMG/AMP criteria applied, as specified by the ClinGen Epilepsy Sodium Channel VCEP: BA1 and PP3_Moderate. (VCEP specifications version 1; 6/27/2023).

Labcorp Genetics (formerly Invitae), Labcorp
Classification: Benign. Last evaluated: 2026-02-03. Review status: criteria provided, single submitter. Criteria: Invitae Variant Classification Sherloc (09022015). Collection method: clinical testing. Allele origin: germline. Not counted in ClinVar's aggregate classification.

Mayo Clinic Laboratories, Mayo Clinic
Classification: Benign. Last evaluated: 2021-11-04. Review status: criteria provided, single submitter. Criteria: ACMG Guidelines, 2015. Collection method: clinical testing. Allele origin: germline. Observed: 12 variant alleles. Not counted in ClinVar's aggregate classification.

GeneDx
Classification: Benign. Last evaluated: 2021-05-06. Review status: criteria provided, single submitter. Criteria: GeneDx Variant Classification Process June 2021. Collection method: clinical testing. Allele origin: germline. Affected: yes. Not counted in ClinVar's aggregate classification.

Breakthrough Genomics
Classification: Benign. Review status: criteria provided, single submitter. Criteria: ACMG Guidelines, 2015. Collection method: not provided. Allele origin: germline. Inheritance: Autosomal dominant inheritance. Affected: yes. Not counted in ClinVar's aggregate classification.